The following is an entry in ClinVar:

NM_000257.4(MYH7):c.4169A>G (p.Lys1390Arg)

Gene: MYH7 (myosin heavy chain 7; minus strand). Cytogenetic location: 14q11.2.
Variant type: single nucleotide variant.
Coding change: c.4169A>G on transcript NM_000257.4 (MANE Select); coding-DNA position 4169, A replaced by G.
Protein change: p.Lys1390Arg; replaces lysine 1390 with arginine.
Molecular consequence: missense variant.
Genome position (GRCh38, 1-based): chr14:23,418,210, T>C on the plus strand (A>G on the coding strand, the complement: MYH7 is on the minus strand). VCF-style: chr14-23418210-T-C. GRCh37 (hg19) VCF-style: chr14-23887419-T-C.
Other names: short protein forms K1390R.
Identifiers: ClinVar variation 928110 (VCV000928110.3), dbSNP rs1892306997, ClinGen allele CA389040696.

ClinVar aggregate classification (germline): Uncertain significance (1 of 4 stars; one submission).

Conditions:
Cardiomyopathy (CMYO). Also called: Cardiomyopathies. Identifiers: Orphanet 167848, MedGen C0878544, MONDO:0004994, HP:0001638. Inheritance: Various modes of inheritance.

Submission:

Color Diagnostics, LLC DBA Color Health
Classification: Uncertain significance for Cardiomyopathy. Last evaluated: 2020-01-21. Review status: criteria provided, single submitter. Criteria: ACMG Guidelines, 2015. Collection method: clinical testing. Allele origin: germline.
Comment: This missense variant replaces lysine with arginine at codon 1390 of the MYH7 protein. Computational prediction is inconclusive regarding the impact of this variant on protein structure and function (internally defined REVEL score threshold 0.5 < inconclusive < 0.7, PMID: 27666373). Splice site prediction tools suggest that this variant may not impact RNA splicing. To our knowledge, functional studies have not been performed for this variant. This variant has not been reported in individuals affected with cardiovascular disorders in the literature. This variant has not been identified in the general population by the Genome Aggregation Database (gnomAD). The available evidence is insufficient to determine the role of this variant in disease conclusively. Therefore, this variant is classified as a Variant of Uncertain Significance.